The following is an entry in ClinVar:

NM_000179.3(MSH6):c.3038A>G (p.Lys1013Arg)

Gene: MSH6 (mutS homolog 6; plus strand). Cytogenetic location: 2p16.3.
Variant type: single nucleotide variant.
Coding change: c.3038A>G on transcript NM_000179.3 (MANE Select); coding-DNA position 3038, A replaced by G.
Protein change: p.Lys1013Arg; replaces lysine 1013 with arginine.
Molecular consequence: missense variant.
Genome position (GRCh38, 1-based): chr2:47,801,021, A>G. VCF-style: chr2-47801021-A-G. GRCh37 (hg19) VCF-style: chr2-48028160-A-G.
Other names: c.2648A>G, p.Lys883Arg (NM_001281492.2); c.2132A>G, p.Lys711Arg (NM_001281493.2, NM_001281494.2); short protein forms K1013R, K711R, K883R.
Identifiers: ClinVar variation 822680 (VCV000822680.17), dbSNP rs200837944, ClinGen allele CA346756477.

ClinVar aggregate classification (germline): Conflicting classifications of pathogenicity. Review status: criteria provided, conflicting classifications (1 of 4 stars). 3 submissions from 3 submitters: Uncertain significance (2); Likely benign (1). Last evaluated 2025-02-10.

Conditions:
Hereditary nonpolyposis colorectal neoplasms. Identifiers: MedGen C0009405, MeSH D003123.
Hereditary cancer-predisposing syndrome. Also called: Tumor predisposition; Hereditary Cancer Syndrome; Neoplastic Syndromes, Hereditary; Hereditary neoplastic syndrome. Identifiers: Orphanet 140162, MedGen C0027672, MeSH D009386, MONDO:0015356.

Submissions (3):

Color Diagnostics, LLC DBA Color Health
Classification: Likely benign for Hereditary cancer-predisposing syndrome. Last evaluated: 2025-02-10. Review status: criteria provided, single submitter. Criteria: ACMG Guidelines, 2015. Collection method: clinical testing. Allele origin: germline.

Labcorp Genetics (formerly Invitae), Labcorp
Classification: Uncertain significance for Hereditary nonpolyposis colorectal neoplasms. Last evaluated: 2025-01-12. Review status: criteria provided, single submitter. Criteria: Invitae Variant Classification Sherloc (09022015). Collection method: clinical testing. Allele origin: germline.
Comment: This sequence change replaces lysine, which is basic and polar, with arginine, which is basic and polar, at codon 1013 of the MSH6 protein (p.Lys1013Arg). This variant is not present in population databases (gnomAD no frequency). This missense change has been observed in individual(s) with pancreatic cancer (PMID: 28767289). ClinVar contains an entry for this variant (Variation ID: 822680). Invitae Evidence Modeling of protein sequence and biophysical properties (such as structural, functional, and spatial information, amino acid conservation, physicochemical variation, residue mobility, and thermodynamic stability) indicates that this missense variant is not expected to disrupt MSH6 protein function with a negative predictive value of 95%. In summary, the available evidence is currently insufficient to determine the role of this variant in disease. Therefore, it has been classified as a Variant of Uncertain Significance.

Ambry Genetics
Classification: Uncertain significance for Hereditary cancer-predisposing syndrome. Last evaluated: 2019-12-10. Review status: criteria provided, single submitter. Criteria: Ambry Variant Classification Scheme 2023. Collection method: clinical testing. Allele origin: germline.
Comment: The p.K1013R variant (also known as c.3038A>G), located in coding exon 4 of the MSH6 gene, results from an A to G substitution at nucleotide position 3038. The lysine at codon 1013 is replaced by arginine, an amino acid with highly similar properties. This alteration has been reported in a pancreatic cancer cohort in an individual with sporadic pancreatic adenocarcinoma (Shindo K et al. J. Clin. Oncol., 2017 Oct;35:3382-3390). This amino acid position is not well conserved in available vertebrate species. In addition, this alteration is predicted to be tolerated by in silico analysis. Since supporting evidence is limited at this time, the clinical significance of this alteration remains unclear.

Literature cited by the submitters: PubMed 28767289 (cited by Labcorp Genetics (formerly Invitae), Labcorp and Ambry Genetics).